The following is an entry in ClinVar:

ClinVar aggregate classification (germline): Uncertain significance (1 of 4 stars; one submission).

Allele frequency attached by ClinVar (database versions not stated): TOPMed below 0.00001; gnomAD 0.00001.
gnomAD v4.1: 1 of 1,610,072 alleles (0.000062%); highest among the groups gnomAD compares: African/African-American, 0.0013%; no homozygotes.

Submissions (2):

Labcorp Genetics (formerly Invitae), Labcorp
Classification: Uncertain significance. Last evaluated: 2022-10-17. Review status: criteria provided, single submitter. Criteria: Invitae Variant Classification Sherloc (09022015). Collection method: clinical testing. Allele origin: germline.
Comment: This sequence change replaces histidine, which is basic and polar, with asparagine, which is neutral and polar, at codon 362 of the NEDD4L protein (p.His362Asn). In summary, the available evidence is currently insufficient to determine the role of this variant in disease. Therefore, it has been classified as a Variant of Uncertain Significance. Advanced modeling of protein sequence and biophysical properties (such as structural, functional, and spatial information, amino acid conservation, physicochemical variation, residue mobility, and thermodynamic stability) performed at Invitae indicates that this missense variant is not expected to disrupt NEDD4L protein function. This variant has not been reported in the literature in individuals affected with NEDD4L-related conditions. This variant is not present in population databases (gnomAD no frequency).

Dr. Peter K. Rogan Lab, Western University
No classification provided (evidence only). Condition: Thyroid cancer, nonmedullary, 1. Review status: no classification provided. Collection method: in vitro. Allele origin: not applicable. Functional consequence: retained intron. Not counted in ClinVar's aggregate classification.

NM_001144967.3(NEDD4L):c.1144C>A (p.His382Asn)

Gene: NEDD4L (NEDD4 like E3 ubiquitin protein ligase; plus strand). Cytogenetic location: 18q21.31.
Variant type: single nucleotide variant.
Coding change: c.1144C>A on transcript NM_001144967.3 (MANE Select); coding-DNA position 1144, C replaced by A.
Protein change: p.His382Asn; replaces histidine 382 with asparagine.
Molecular consequence: missense variant. On other transcripts: intron variant (1).
Genome position (GRCh38, 1-based): chr18:58,341,056, C>A. VCF-style: chr18-58341056-C-A. GRCh37 (hg19) VCF-style: chr18-56008288-C-A.
Other names: c.781C>A, p.His261Asn (NM_001144964.1, NM_001144965.2, NM_001144966.3); c.1120C>A, p.His374Asn (NM_001144968.2); c.1060C>A, p.His354Asn (NM_001144969.2); c.721C>A, p.His241Asn (NM_001144970.3, NM_001144971.2); c.1084C>A, p.His362Asn (NM_015277.6); c.1066-622C>A (NM_001243960.2); short protein forms H241N, H261N, H354N, H362N, H374N, H382N.
Identifiers: ClinVar variation 1721257 (VCV001721257.4), dbSNP rs1002690517, ClinGen allele CA300921987.